The following is an entry in ClinVar:

ClinVar aggregate classification (germline): Pathogenic/Likely pathogenic. Review status: criteria provided, multiple submitters, no conflicts (2 of 4 stars). 2 submissions from 2 submitters: Pathogenic (1); Likely pathogenic (1). Last evaluated 2023-12-13.

Conditions:
LAMA2-related muscular dystrophy (LAMA2-RD). Also called: Laminin alpha 2-related dystrophy. Identifiers: MedGen C5679788, MONDO:0100228.

Submissions (2):

Labcorp Genetics (formerly Invitae), Labcorp
Classification: Likely pathogenic for LAMA2-related muscular dystrophy. Last evaluated: 2023-12-13. Review status: criteria provided, single submitter. Criteria: Invitae Variant Classification Sherloc (09022015). Collection method: clinical testing. Allele origin: germline.
Comment: This sequence change affects an acceptor splice site in intron 19 of the LAMA2 gene. It is expected to disrupt RNA splicing. Variants that disrupt the donor or acceptor splice site typically lead to a loss of protein function (PMID: 16199547), and loss-of-function variants in LAMA2 are known to be pathogenic (PMID: 18700894, 32904964). This variant is not present in population databases (gnomAD no frequency). Disruption of this splice site has been observed in individual(s) with congenital muscular dystrophy (Invitae). ClinVar contains an entry for this variant (Variation ID: 92947). Algorithms developed to predict the effect of sequence changes on RNA splicing suggest that this variant may disrupt the consensus splice site. In summary, the currently available evidence indicates that the variant is pathogenic, but additional data are needed to prove that conclusively. Therefore, this variant has been classified as Likely Pathogenic.

Eurofins Ntd Llc (ga)
Classification: Pathogenic. Last evaluated: 2013-02-12. Review status: criteria provided, single submitter. Criteria: EGL Classification Definitions. Collection method: clinical testing. Allele origin: germline. Observed: 2 variant alleles, 2 heterozygotes.

Literature cited by the submitters: PubMed 16199547 (cited by Labcorp Genetics (formerly Invitae), Labcorp); PubMed 18700894 (cited by Labcorp Genetics (formerly Invitae), Labcorp); PubMed 32904964 (cited by Labcorp Genetics (formerly Invitae), Labcorp).

NM_000426.4(LAMA2):c.2750-1G>C

Gene: LAMA2 (laminin subunit alpha 2; plus strand). Cytogenetic location: 6q22.33.
Variant type: single nucleotide variant.
Coding change: c.2750-1G>C on transcript NM_000426.4 (MANE Select); the canonical splice acceptor site of the intron before coding-DNA position 2750, G replaced by C.
Molecular consequence: splice acceptor variant.
Genome position (GRCh38, 1-based): chr6:129,291,613, G>C. VCF-style: chr6-129291613-G-C. GRCh37 (hg19) VCF-style: chr6-129612758-G-C.
Other names: c.2750-1G>C (NM_001079823.2).
Identifiers: ClinVar variation 92947 (VCV000092947.9), dbSNP rs9492297, ClinGen allele CA220757.